The following is an entry in ClinVar:

ClinVar aggregate classification (germline): Pathogenic. Review status: criteria provided, multiple submitters, no conflicts (2 of 4 stars). 4 submissions from 4 submitters: Pathogenic (4). Last evaluated 2023-02-02.

Conditions:
Inborn genetic diseases. Identifiers: MedGen C0950123, MeSH D030342.
Intellectual disability, autosomal recessive 42 (NEDDSBA). Also called: GLYCOSYLPHOSPHATIDYLINOSITOL BIOSYNTHESIS DEFECT 9; Neurodevelopmental disorder with dysmorphic features, spasticity, and brain abnormalities. Identifiers: Orphanet 88616, MedGen C4014343, MONDO:0014348, OMIM 615802.

Allele frequency attached by ClinVar (database versions not stated): gnomAD exomes below 0.00001 and 0.00002; TOPMed below 0.00001; gnomAD 0.00001.

Submissions (4):

Ambry Genetics
Classification: Pathogenic for Inborn genetic diseases. Last evaluated: 2023-02-02. Review status: criteria provided, single submitter. Criteria: Ambry Variant Classification Scheme 2023. Collection method: clinical testing. Allele origin: germline.
Comment: The c.2357_2358insTA (p.R786Sfs*35) alteration, located in exon 25 (coding exon 25) of the PGAP1 gene, consists of an insertion of TA at position 2357, causing a translational frameshift with a predicted alternate stop codon after 35 amino acids. This alteration is expected to result in loss of function by premature protein truncation or nonsense-mediated mRNA decay. Based on data from gnomAD, the TA allele has an overall frequency of 0.001% (1/244238) total alleles studied. The highest observed frequency was 0.006% (1/16094) of African alleles. Based on the available evidence, this alteration is classified as pathogenic.

GeneDx
Classification: Pathogenic. Last evaluated: 2021-11-23. Review status: criteria provided, single submitter. Criteria: GeneDx Variant Classification Process June 2021. Collection method: clinical testing. Allele origin: germline. Affected: yes.
Comment: Frameshift variant predicted to result in protein truncation or nonsense mediated decay in a gene for which loss-of-function is a known mechanism of disease; Not observed at significant frequency in large population cohorts (gnomAD); Identified in a patient with mental retardation in published literature; however, no further clinical information was provided (Liu et al., 2019); This variant is associated with the following publications: (PMID: 31216405)

Labcorp Genetics (formerly Invitae), Labcorp
Classification: Pathogenic for Intellectual disability, autosomal recessive 42. Last evaluated: 2019-12-13. Review status: criteria provided, single submitter. Criteria: Invitae Variant Classification Sherloc (09022015). Collection method: clinical testing. Allele origin: germline.
Comment: This sequence change creates a premature translational stop signal (p.Arg786Serfs*35) in the PGAP1 gene. It is expected to result in an absent or disrupted protein product. This variant is not present in population databases (ExAC no frequency). This variant has not been reported in the literature in individuals with PGAP1-related conditions. ClinVar contains an entry for this variant (Variation ID: 503954). Algorithms developed to predict the effect of sequence changes on RNA splicing suggest that this variant may create or strengthen a splice site, but this prediction has not been confirmed by published transcriptional studies. Loss-of-function variants in PGAP1 are known to be pathogenic (PMID: 17711852). For these reasons, this variant has been classified as Pathogenic.

Baylor Genetics
Classification: Pathogenic for Intellectual disability, autosomal recessive 42. Last evaluated: 2017-12-31. Review status: criteria provided, single submitter. Criteria: ACMG Guidelines, 2015. Collection method: clinical testing. Allele origin: germline. Affected: yes.

Literature cited by the submitters: PubMed 17711852 (cited by Labcorp Genetics (formerly Invitae), Labcorp).

NM_024989.4(PGAP1):c.2357_2358insTA (p.Arg786fs)

Gene: PGAP1 (post-GPI attachment to proteins inositol deacylase 1; minus strand). Cytogenetic location: 2q33.1.
Variant type: Insertion.
Coding change: c.2357_2358insTA on transcript NM_024989.4 (MANE Select); coding-DNA positions 2357 to 2358, TA inserted.
Protein change: p.Arg786fs; shifts the reading frame from arginine 786.
Molecular consequence: frameshift variant.
Genome position: GRCh38 VCF-style: chr2-196844055-T-TTA. GRCh37 (hg19) VCF-style: chr2-197708779-T-TTA.
Other names: c.1835_1836insTA, p.Arg612fs (NM_001321099.2); c.1190_1191insTA, p.Arg397fs (NM_001321100.2); short protein forms R612fs, R786fs, R397fs.
Identifiers: ClinVar variation 503954 (VCV000503954.15), dbSNP rs767774867, ClinGen allele CA62802702.